The following is an entry in ClinVar:

NM_000760.4(CSF3R):c.101C>T (p.Pro34Leu)

Gene: CSF3R (colony stimulating factor 3 receptor; minus strand). Cytogenetic location: 1p34.3.
Variant type: single nucleotide variant.
Coding change: c.101C>T on transcript NM_000760.4 (MANE Select); coding-DNA position 101, C replaced by T.
Protein change: p.Pro34Leu; replaces proline 34 with leucine.
Molecular consequence: missense variant.
Genome position (GRCh38, 1-based): chr1:36,475,637, G>A on the plus strand (C>T on the coding strand, the complement: CSF3R is on the minus strand). VCF-style: chr1-36475637-G-A. GRCh37 (hg19) VCF-style: chr1-36941238-G-A.
Other names: p.Pro34Leu; c.101C>T, p.Pro34Leu (NM_156039.3, NM_172313.3, LRG_144t1); short protein forms P34L.
Identifiers: ClinVar variation 567052 (VCV000567052.9), dbSNP rs34362628, ClinGen allele CA769569.

ClinVar aggregate classification (germline): Uncertain significance. Review status: criteria provided, multiple submitters, no conflicts (2 of 4 stars). 3 submissions from 3 submitters: Uncertain significance (3). Last evaluated 2025-09-10.

Conditions:
Autosomal recessive severe congenital neutropenia due to CSF3R deficiency. Also called: Neutropenia, severe congenital, 7, autosomal recessive. Identifiers: Orphanet 420702, MedGen C4310764, MONDO:0014865, OMIM 617014.

Allele frequency attached by ClinVar (database versions not stated): ExAC 0.00001; gnomAD exomes 0.00001 and 0.00002; ESP Exome Variant Server 0.00008; gnomAD 0.00008; TOPMed 0.00009; 1000 Genomes Project 30x 0.00016; 1000 Genomes Project 0.00020.
gnomAD v4.1: 34 of 1,607,026 alleles (0.0021%); highest among the groups gnomAD compares: Middle Eastern, 0.035%; 1 homozygote.

Submissions (3):

Labcorp Genetics (formerly Invitae), Labcorp
Classification: Uncertain significance for Autosomal recessive severe congenital neutropenia due to CSF3R deficiency. Last evaluated: 2025-09-10. Review status: criteria provided, single submitter. Criteria: Invitae Variant Classification Sherloc (09022015). Collection method: clinical testing. Allele origin: germline.
Comment: This sequence change replaces proline, which is neutral and non-polar, with leucine, which is neutral and non-polar, at codon 34 of the CSF3R protein (p.Pro34Leu). This variant is present in population databases (rs34362628, gnomAD 0.03%). This variant has not been reported in the literature in individuals affected with CSF3R-related conditions. ClinVar contains an entry for this variant (Variation ID: 567052). Invitae Evidence Modeling of protein sequence and biophysical properties (such as structural, functional, and spatial information, amino acid conservation, physicochemical variation, residue mobility, and thermodynamic stability) has been performed for this missense variant. However, the output from this modeling did not meet the statistical confidence thresholds required to predict the impact of this variant on CSF3R protein function. In summary, the available evidence is currently insufficient to determine the role of this variant in disease. Therefore, it has been classified as a Variant of Uncertain Significance.

Mayo Clinic Laboratories, Mayo Clinic
Classification: Uncertain significance. Last evaluated: 2025-01-09. Review status: criteria provided, single submitter. Criteria: ACMG Guidelines, 2015. Collection method: clinical testing. Allele origin: germline. Observed: 1 variant allele.
Comment: BP4

ARUP Laboratories, Molecular Genetics and Genomics, ARUP Laboratories
Classification: Uncertain significance. Last evaluated: 2024-10-10. Review status: criteria provided, single submitter. Criteria: ARUP Molecular Germline Variant Investigation Process 2024. Collection method: clinical testing. Allele origin: germline.
Comment: The CSF3R c.101C>T; p.Pro34Leu variant (rs34362628), to our knowledge, is not reported in the medical literature but is reported in ClinVar (Variation ID: 567052).. This variant is only observed on six alleles in the Genome Aggregation Database (v2.1.1), indicating it is not a common polymorphism. Computational analyses are uncertain whether this variant is neutral or deleterious (REVEL: 0.23). Due to limited information, the clinical significance of this variant is uncertain at this time.